The following is an entry in ClinVar:

ClinVar aggregate classification (germline): Uncertain significance (1 of 4 stars; one submission).

Conditions:
Cardiovascular phenotype. Identifiers: MedGen CN230736.
Hereditary cancer-predisposing syndrome. Also called: Neoplastic Syndromes, Hereditary; Tumor predisposition; Hereditary Cancer Syndrome; Hereditary neoplastic syndrome. Identifiers: Orphanet 140162, MedGen C0027672, MeSH D009386, MONDO:0015356.

Submission:

Ambry Genetics
Classification: Uncertain significance for Cardiovascular phenotype; Hereditary cancer-predisposing syndrome. Last evaluated: 2026-09-08. Review status: criteria provided, single submitter. Criteria: Ambry Variant Classification Scheme 2023. Collection method: clinical testing. Allele origin: germline.
Comment: The p.L1257P variant (also known as c.3770T>C), located in coding exon 28 of the NF1 gene, results from a T to C substitution at nucleotide position 3770. The leucine at codon 1257 is replaced by proline, an amino acid with similar properties. This amino acid position is highly conserved in available vertebrate species. In addition, this alteration is predicted to be deleterious by in silico analysis. Based on the available evidence, the clinical significance of this variant remains unclear.

NM_001042492.3(NF1):c.3770T>C (p.Leu1257Pro)

Gene: NF1 (neurofibromin 1; plus strand). Cytogenetic location: 17q11.2.
Variant type: single nucleotide variant.
Coding change: c.3770T>C on transcript NM_001042492.3 (MANE Select); coding-DNA position 3770, T replaced by C.
Protein change: p.Leu1257Pro; replaces leucine 1257 with proline.
Molecular consequence: missense variant.
Genome position (GRCh38, 1-based): chr17:31,235,672, T>C. VCF-style: chr17-31235672-T-C. GRCh37 (hg19) VCF-style: chr17-29562690-T-C.
Other names: c.3770T>C, p.Leu1257Pro (NM_000267.4); short protein forms L1257P.
Identifiers: ClinVar variation 4615752 (VCV004615752.2).